The following is an entry in ClinVar:

ClinVar aggregate classification (germline): Uncertain significance (1 of 4 stars; one submission).

Conditions:
Imagawa-Matsumoto syndrome. Identifiers: Orphanet 659463, MedGen C5394073, MONDO:0032916, OMIM 618786.

Submission:

3billion
Classification: Uncertain significance for Imagawa-Matsumoto syndrome. Last evaluated: 2025-09-25. Review status: criteria provided, single submitter. Criteria: ACMG Guidelines, 2015. Collection method: clinical testing. Allele origin: germline. Affected: yes.
Comment: The variant is not observed in the gnomAD v4.1.0 dataset. Predicted Consequence/Location: Missense variant In silico tool predictions suggest damaging effect of the variant on gene or gene product [3Cnet: 0.87 (> 0.75, sensitivity 0.96 and precision 0.92)]. Therefore, this variant is classified as VUS according to the recommendation of ACMG/AMP guideline.

NM_015355.4(SUZ12):c.1846C>T (p.Leu616Phe)

Gene: SUZ12 (SUZ12 polycomb repressive complex 2 subunit; plus strand). Cytogenetic location: 17q11.2.
Variant type: single nucleotide variant.
Coding change: c.1846C>T on transcript NM_015355.4 (MANE Select); coding-DNA position 1846, C replaced by T.
Protein change: p.Leu616Phe; replaces leucine 616 with phenylalanine.
Molecular consequence: missense variant.
Genome position (GRCh38, 1-based): chr17:31,996,849, C>T. VCF-style: chr17-31996849-C-T. GRCh37 (hg19) VCF-style: chr17-30323868-C-T.
Other names: c.1777C>T, p.Leu593Phe (NM_001321207.2); short protein forms L593F, L616F.
Identifiers: ClinVar variation 4855323 (VCV004855323.1).
Genomic context (GRCh38, chr17:31,996,849, plus strand): 5'-TTTTCCCAGCAAATTGAAGAGTTTTCTGATGTTAATGAAGGAGAGAAAGAAGTGATGAAA[C>T]TCTGGAATCTCCATGTCATGAAGCATGGGTAGGGTATTTCTAAATTAATTTAAATATTTT-3'
Protein context (NP_056170.2, residues 606-626): VNEGEKEVMK[Leu616Phe]WNLHVMKHGF